The following is an entry in ClinVar:

NM_139076.3(ABRAXAS1):c.115G>A (p.Gly39Ser)

Gene: ABRAXAS1 (abraxas 1, BRCA1 A complex subunit; minus strand). Cytogenetic location: 4q21.23.
Variant type: single nucleotide variant.
Coding change: c.115G>A on transcript NM_139076.3 (MANE Select); coding-DNA position 115, G replaced by A.
Protein change: p.Gly39Ser; replaces glycine 39 with serine.
Molecular consequence: missense variant. On other transcripts: 5 prime UTR variant (1).
Genome position (GRCh38, 1-based): chr4:83,482,217, C>T on the plus strand (G>A on the coding strand, the complement: ABRAXAS1 is on the minus strand). VCF-style: chr4-83482217-C-T. GRCh37 (hg19) VCF-style: chr4-84403370-C-T.
Other names: c.-146G>A (NM_001345962.2); short protein forms G39S.
Identifiers: ClinVar variation 2450268 (VCV002450268.2), dbSNP rs2529465391, ClinGen allele CA357263314.

ClinVar aggregate classification (germline): Uncertain significance (1 of 4 stars; one submission).

Submission:

Ambry Genetics
Classification: Uncertain significance. Last evaluated: 2023-02-28. Review status: criteria provided, single submitter. Criteria: Ambry Variant Classification Scheme 2023. Collection method: clinical testing. Allele origin: germline.
Comment: The p.G39S variant (also known as c.115G>A), located in coding exon 2 of the FAM175A gene, results from a G to A substitution at nucleotide position 115. The glycine at codon 39 is replaced by serine, an amino acid with similar properties. This amino acid position is conserved. In addition, the in silico prediction for this alteration is inconclusive. Since supporting evidence is limited at this time, the clinical significance of this alteration remains unclear.